The following is an entry in ClinVar:

NM_005148.4(UNC119):c.147_152dup (p.Pro51_Gly52insArgPro)

Genes: UNC119 (unc-119 lipid binding chaperone; minus strand), LOC130060555 (ATAC-STARR-seq lymphoblastoid silent region 8343; plus strand). Cytogenetic location: 17q11.2.
Variant type: Duplication.
Coding change: c.147_152dup on transcript NM_005148.4 (MANE Select); coding-DNA positions 147 to 152, 6 bases duplicated (CAGGCC; older notation c.147_152dupCAGGCC).
Protein change: p.Pro51_Gly52insArgPro.
Molecular consequence: inframe insertion. On other transcripts: 5 prime UTR variant (1).
Genome position (GRCh38, 1-based): chr17:28,552,406-28,552,411, GGCCTG duplicated on the plus strand (CAGGCC on the coding strand, the reverse complement: UNC119 is on the minus strand); duplicating any 6 consecutive bases within chr17:28,552,406-28,552,415 gives the same sequence; the c. name uses the placement nearest the transcript's 3' end. VCF-style (leftmost placement, unchanged base first): chr17-28552405-C-CGGCCTG. GRCh37 (hg19) VCF-style: chr17-26879423-C-CGGCCTG.
Other names: c.-167_-162dup (NM_001330166.2); c.147_152dup, p.Pro51_Gly52insArgPro (NM_054035.2).
Identifiers: ClinVar variation 2997648 (VCV002997648.3), dbSNP rs2508474849, ClinGen allele CA2740095300.

ClinVar aggregate classification (germline): Uncertain significance (1 of 4 stars; one submission).

Submission:

Labcorp Genetics (formerly Invitae), Labcorp
Classification: Uncertain significance. Last evaluated: 2024-02-23. Review status: criteria provided, single submitter. Criteria: Invitae Variant Classification Sherloc (09022015). Collection method: clinical testing. Allele origin: germline.
Comment: This variant, c.147_152dup, results in the insertion of 2 amino acid(s) of the UNC119 protein (p.Arg50_Pro51dup), but otherwise preserves the integrity of the reading frame. This variant is not present in population databases (gnomAD no frequency). This variant has not been reported in the literature in individuals affected with UNC119-related conditions. Experimental studies and prediction algorithms are not available or were not evaluated, and the functional significance of this variant is currently unknown. In summary, the available evidence is currently insufficient to determine the role of this variant in disease. Therefore, it has been classified as a Variant of Uncertain Significance.